The following is an entry in ClinVar:

NM_004977.3(KCNC3):c.1761G>C (p.Pro587=)

Gene: KCNC3 (potassium voltage-gated channel subfamily C member 3; minus strand). Cytogenetic location: 19q13.33.
Variant type: single nucleotide variant.
Coding change: c.1761G>C on transcript NM_004977.3 (MANE Select); coding-DNA position 1761, G replaced by C.
Protein change: p.Pro587=; no amino-acid change (proline 587 retained).
Molecular consequence: synonymous variant.
Genome position (GRCh38, 1-based): chr19:50,323,192, C>G on the plus strand (G>C on the coding strand, the complement: KCNC3 is on the minus strand). VCF-style: chr19-50323192-C-G. GRCh37 (hg19) VCF-style: chr19-50826449-C-G.
Other names: c.1533G>C, p.Pro511= (NM_001372305.1).
Identifiers: ClinVar variation 1879452 (VCV001879452.29), dbSNP rs2123533788, ClinGen allele CA508302852.
Genomic context (GRCh38, chr19:50,323,192, plus strand): 5'-CACCCCCATGGAGGGTGGGGTGATGGGTGGCGGCGGGCTGATGCCCCCGCTGCCGTGGTG[C>G]GGGTGGGGCGGGGGTGGCGGGGGTGGGTCAGGCTTGCAGTAGTTGGGCGAGCCCGGTTGC-3'
Protein context (NP_004968.2, residues 577-597): PDPPPPPPPH[Pro587=]HHGSGGISPP

ClinVar aggregate classification (germline): Likely benign (1 of 4 stars; one submission).

Submission:

CeGaT Center for Human Genetics Tuebingen
Classification: Likely benign. Last evaluated: 2022-11-01. Review status: criteria provided, single submitter. Criteria: CeGaT Center For Human Genetics Tuebingen Variant Classification Criteria Version 2. Collection method: clinical testing. Allele origin: germline. Affected: yes. Observed: 1 variant allele.
Comment: KCNC3: PM2:Supporting, BP4, BP7